The following is an entry in ClinVar:

ClinVar aggregate classification (germline): Likely benign (1 of 4 stars; one submission).

Submission:

Laboratory for Molecular Medicine, Mass General Brigham Personalized Medicine
Classification: Likely benign. Last evaluated: 2016-03-29. Review status: criteria provided, single submitter. Criteria: LMM Criteria. Collection method: clinical testing. Allele origin: germline.
Comment: Variant identified in a genome or exome case(s) and assessed due to predicted null impact of the variant or pathogenic assertions in the literature or databases. Disclaimer: This variant has not undergone full assessment. The following are preliminary notes: No change to splice consensus

NM_001135556.2(DYNC1I1):c.109-7C>T

Gene: DYNC1I1 (dynein cytoplasmic 1 intermediate chain 1; plus strand). Cytogenetic location: 7q21.3.
Variant type: single nucleotide variant.
Coding change: c.109-7C>T on transcript NM_001135556.2 (MANE Select); 7 bases into the intron before coding-DNA position 109, C replaced by T.
Molecular consequence: intron variant.
Genome position (GRCh38, 1-based): chr7:95,810,385, C>T. VCF-style: chr7-95810385-C-T. GRCh37 (hg19) VCF-style: chr7-95439697-C-T.
Other names: c.109-7C>T (NM_001278422.2, NM_004411.5, NM_001278421.2 and 1 more transcripts).
Identifiers: ClinVar variation 402813 (VCV000402813.4), dbSNP rs1060499856, ClinGen allele CA16609733.